The following is an entry in ClinVar:

NM_006389.5(HYOU1):c.1594C>T (p.Pro532Ser)

Gene: HYOU1 (hypoxia up-regulated 1; minus strand). Cytogenetic location: 11q23.3.
Variant type: single nucleotide variant.
Coding change: c.1594C>T on transcript NM_006389.5 (MANE Select); coding-DNA position 1594, C replaced by T.
Protein change: p.Pro532Ser; replaces proline 532 with serine.
Molecular consequence: missense variant.
Genome position (GRCh38, 1-based): chr11:119,051,106, G>A on the plus strand (C>T on the coding strand, the complement: HYOU1 is on the minus strand). VCF-style: chr11-119051106-G-A. GRCh37 (hg19) VCF-style: chr11-118921818-G-A.
Other names: c.1594C>T, p.Pro532Ser (NM_001130991.3, NM_001411041.1); short protein forms P532S.
Identifiers: ClinVar variation 3714546 (VCV003714546.2).

ClinVar aggregate classification (germline): Uncertain significance (1 of 4 stars; one submission).

gnomAD v4.1: 7 of 1,614,078 alleles (0.00043%); highest among the groups gnomAD compares: African/African-American, 0.008%; no homozygotes.

Submission:

Labcorp Genetics (formerly Invitae), Labcorp
Classification: Uncertain significance. Last evaluated: 2024-08-15. Review status: criteria provided, single submitter. Criteria: Invitae Variant Classification Sherloc (09022015). Collection method: clinical testing. Allele origin: germline.
Comment: This sequence change replaces proline, which is neutral and non-polar, with serine, which is neutral and polar, at codon 532 of the HYOU1 protein (p.Pro532Ser). The frequency data for this variant in the population databases is considered unreliable, as metrics indicate poor data quality at this position in the gnomAD database. This variant has not been reported in the literature in individuals affected with HYOU1-related conditions. An algorithm developed to predict the effect of missense changes on protein structure and function (PolyPhen-2) suggests that this variant is likely to be tolerated. In summary, the available evidence is currently insufficient to determine the role of this variant in disease. Therefore, it has been classified as a Variant of Uncertain Significance.